The following is an entry in ClinVar:

NM_004638.4(PRRC2A):c.4315C>T (p.Arg1439Ter)

Gene: PRRC2A (proline rich coiled-coil 2A; plus strand). Cytogenetic location: 6p21.33.
Variant type: single nucleotide variant.
Coding change: c.4315C>T on transcript NM_004638.4 (MANE Select); coding-DNA position 4315, C replaced by T.
Protein change: p.Arg1439Ter; replaces arginine 1439 with a stop codon.
Molecular consequence: nonsense.
Genome position (GRCh38, 1-based): chr6:31,632,988, C>T. VCF-style: chr6-31632988-C-T. GRCh37 (hg19) VCF-style: chr6-31600765-C-T.
Other names: c.4315C>T, p.Arg1439Ter (NM_080686.3); short protein forms R1439*.
Identifiers: ClinVar variation 1703158 (VCV001703158.3), dbSNP rs2533819506, ClinGen allele CA363358423.

ClinVar aggregate classification (germline): Uncertain significance (1 of 4 stars; one submission).

gnomAD v4.1: 1 of 1,561,346 alleles (0.000064%); highest among the groups gnomAD compares: East Asian, 0.0023%; no homozygotes.

Submission:

Greenwood Genetic Center Diagnostic Laboratories, Greenwood Genetic Center
Classification: Uncertain significance. Last evaluated: 2022-04-21. Review status: criteria provided, single submitter. Criteria: ACMG Guidelines, 2015. Collection method: clinical testing. Allele origin: germline. Affected: yes.
Comment: Gene of Uncertain Significance